The following is an entry in ClinVar:

ClinVar aggregate classification (germline): Likely benign. Review status: criteria provided, multiple submitters, no conflicts (2 of 4 stars). 2 submissions from 2 submitters: Likely benign (2). Last evaluated 2024-09-04.

Conditions:
Ehlers-Danlos syndrome, kyphoscoliotic type 1 (EDSKSCL1). Also called: Ehlers-Danlos syndrome, hydroxylysine-deficient; EHLERS-DANLOS SYNDROME, OCULAR-SCOLIOTIC TYPE; PLOD1-Related Kyphoscoliotic Ehlers-Danlos Syndrome; EHLERS-DANLOS SYNDROME, TYPE VIA. Identifiers: Orphanet 1900, MedGen C0268342, MONDO:0016002, OMIM 225400. Disease mechanism: loss of function.

Submissions (2):

Women's Health and Genetics/Laboratory Corporation of America, LabCorp
Classification: Likely benign. Last evaluated: 2024-09-04. Review status: criteria provided, single submitter. Criteria: LabCorp Variant Classification Summary - May 2015. Collection method: clinical testing. Allele origin: germline.
Comment: Variant summary: PLOD1 c.1471-13C>T alters a non-conserved nucleotide located at a position not widely known to affect splicing. Consensus agreement among computation tools predict no significant impact on normal splicing. However, these predictions have yet to be confirmed by functional studies. The variant allele was found at a frequency of 4e-06 in 250296 control chromosomes. The available data on variant occurrences in the general population are insufficient to allow any conclusion about variant significance. To our knowledge, no occurrence of c.1471-13C>T in individuals affected with Ehlers-Danlos Syndrome Type VI and no experimental evidence demonstrating its impact on protein function have been reported. ClinVar contains an entry for this variant (Variation ID: 2977131). Based on the evidence outlined above, the variant was classified as likely benign.

Labcorp Genetics (formerly Invitae), Labcorp
Classification: Likely benign for Ehlers-Danlos syndrome, kyphoscoliotic type 1. Last evaluated: 2023-01-13. Review status: criteria provided, single submitter. Criteria: Invitae Variant Classification Sherloc (09022015). Collection method: clinical testing. Allele origin: germline.

NM_000302.4(PLOD1):c.1471-13C>T

Gene: PLOD1 (procollagen-lysine,2-oxoglutarate 5-dioxygenase 1; plus strand). Cytogenetic location: 1p36.22.
Variant type: single nucleotide variant.
Coding change: c.1471-13C>T on transcript NM_000302.4 (MANE Select); 13 bases into the intron before coding-DNA position 1471, C replaced by T.
Molecular consequence: intron variant.
Genome position (GRCh38, 1-based): chr1:11,965,467, C>T. VCF-style: chr1-11965467-C-T. GRCh37 (hg19) VCF-style: chr1-12025524-C-T.
Other names: c.1612-13C>T (NM_001316320.2).
Identifiers: ClinVar variation 2977131 (VCV002977131.4), dbSNP rs1243941275, ClinGen allele CA521201709.